The following is an entry in ClinVar:

ClinVar aggregate classification (germline): Uncertain significance (1 of 4 stars; one submission).

Conditions:
Predisposition to invasive fungal disease due to CARD9 deficiency (IMD103). Also called: IMMUNODEFICIENCY 103, SUSCEPTIBILITY TO FUNGAL INFECTIONS; CARD9 IMMUNODEFICIENCY; Candidiasis, familial, 2, autosomal recessive. Identifiers: Orphanet 457088, MedGen C1859353, MONDO:0008905, OMIM 212050.

Submission:

Labcorp Genetics (formerly Invitae), Labcorp
Classification: Uncertain significance for Predisposition to invasive fungal disease due to CARD9 deficiency. Last evaluated: 2022-02-24. Review status: criteria provided, single submitter. Criteria: Invitae Variant Classification Sherloc (09022015). Collection method: clinical testing. Allele origin: germline.
Comment: In summary, the available evidence is currently insufficient to determine the role of this variant in disease. Therefore, it has been classified as a Variant of Uncertain Significance. Algorithms developed to predict the effect of missense changes on protein structure and function (SIFT, PolyPhen-2, Align-GVGD) all suggest that this variant is likely to be tolerated. This variant has not been reported in the literature in individuals affected with CARD9-related conditions. This variant is not present in population databases (gnomAD no frequency). This sequence change replaces isoleucine, which is neutral and non-polar, with valine, which is neutral and non-polar, at codon 343 of the CARD9 protein (p.Ile343Val).

NM_052813.5(CARD9):c.1027A>G (p.Ile343Val)

Gene: CARD9 (caspase recruitment domain family member 9; minus strand). Cytogenetic location: 9q34.3.
Variant type: single nucleotide variant.
Coding change: c.1027A>G on transcript NM_052813.5 (MANE Select); coding-DNA position 1027, A replaced by G.
Protein change: p.Ile343Val; replaces isoleucine 343 with valine.
Molecular consequence: missense variant.
Genome position (GRCh38, 1-based): chr9:136,369,800, T>C on the plus strand (A>G on the coding strand, the complement: CARD9 is on the minus strand). VCF-style: chr9-136369800-T-C. GRCh37 (hg19) VCF-style: chr9-139264252-T-C.
Other names: c.1027A>G, p.Ile343Val (NM_052814.4); short protein forms I343V.
Identifiers: ClinVar variation 1410994 (VCV001410994.8), dbSNP rs2131441804, ClinGen allele CA375543423.
Genomic context (GRCh38, chr9:136,369,800, plus strand): 5'-GAGTGCCCACCTGGTCCCGCTCAATGGCGACCTCCTCCATCTGCAGCAGGATGGCCTCGA[T>C]GCGGTCCTTGTACATCTTGGAGTCCTTACGTAGTGCCAGGCACTGCAGCTCGAACATCTC-3'
Protein context (NP_434700.2, residues 333-353): RKDSKMYKDR[Ile343Val]EAILLQMEEV